The following is an entry in ClinVar:

NM_001211.6(BUB1B):c.2116A>G (p.Lys706Glu)

Gene: BUB1B (BUB1 mitotic checkpoint serine/threonine kinase B; plus strand). Cytogenetic location: 15q15.1.
Variant type: single nucleotide variant.
Coding change: c.2116A>G on transcript NM_001211.6 (MANE Select); coding-DNA position 2116, A replaced by G.
Protein change: p.Lys706Glu; replaces lysine 706 with glutamic acid.
Molecular consequence: missense variant.
Genome position (GRCh38, 1-based): chr15:40,208,743, A>G. VCF-style: chr15-40208743-A-G. GRCh37 (hg19) VCF-style: chr15-40500944-A-G.
Other names: short protein forms K706E.
Identifiers: ClinVar variation 1786176 (VCV001786176.2), dbSNP rs2542569770, ClinGen allele CA391693816.

ClinVar aggregate classification (germline): Uncertain significance (1 of 4 stars; one submission).

Conditions:
Inborn genetic diseases. Identifiers: MedGen C0950123, MeSH D030342.

Allele frequency attached by ClinVar (database versions not stated): gnomAD exomes below 0.00001.
gnomAD v4.1: 4 of 1,613,358 alleles (0.00025%); highest among the groups gnomAD compares: Non-Finnish European, 0.00025%; no homozygotes.

Submission:

Ambry Genetics
Classification: Uncertain significance for Inborn genetic diseases. Last evaluated: 2022-07-02. Review status: criteria provided, single submitter. Criteria: Ambry Variant Classification Scheme 2023. Collection method: clinical testing. Allele origin: germline.
Comment: The p.K706E variant (also known as c.2116A>G), located in coding exon 16 of the BUB1B gene, results from an A to G substitution at nucleotide position 2116. The lysine at codon 706 is replaced by glutamic acid, an amino acid with similar properties. This amino acid position is conserved. In addition, this alteration is predicted to be tolerated by in silico analysis. Since supporting evidence is limited at this time, the clinical significance of this alteration remains unclear.